The following is an entry in ClinVar:

NM_152424.4(AMER1):c.2791G>A (p.Glu931Lys)

Gene: AMER1 (APC membrane recruitment protein 1; minus strand). Cytogenetic location: Xq11.2.
Variant type: single nucleotide variant.
Coding change: c.2791G>A on transcript NM_152424.4 (MANE Select); coding-DNA position 2791, G replaced by A.
Protein change: p.Glu931Lys; replaces glutamic acid 931 with lysine.
Molecular consequence: missense variant.
Genome position (GRCh38, 1-based): chrX:64,190,496, C>T on the plus strand (G>A on the coding strand, the complement: AMER1 is on the minus strand). VCF-style: chrX-64190496-C-T. GRCh37 (hg19) VCF-style: chrX-63410376-C-T.
Other names: short protein forms E931K.
Identifiers: ClinVar variation 4722430 (VCV004722430.1).

ClinVar aggregate classification (germline): Uncertain significance (1 of 4 stars; one submission).

Submission:

Labcorp Genetics (formerly Invitae), Labcorp
Classification: Uncertain significance. Last evaluated: 2025-07-01. Review status: criteria provided, single submitter. Criteria: Invitae Variant Classification Sherloc (09022015). Collection method: clinical testing. Allele origin: germline.
Comment: This sequence change replaces glutamic acid, which is acidic and polar, with lysine, which is basic and polar, at codon 931 of the AMER1 protein (p.Glu931Lys). This variant is not present in population databases (gnomAD no frequency). This variant has not been reported in the literature in individuals affected with AMER1-related conditions. An algorithm developed to predict the effect of missense changes on protein structure and function (PolyPhen-2) suggests that this variant is likely to be tolerated. In summary, the available evidence is currently insufficient to determine the role of this variant in disease. Therefore, it has been classified as a Variant of Uncertain Significance.